The following is an entry in ClinVar:

NM_000512.5(GALNS):c.281G>A (p.Arg94His)

Gene: GALNS (galactosamine (N-acetyl)-6-sulfatase; minus strand). Cytogenetic location: 16q24.3.
Variant type: single nucleotide variant.
Coding change: c.281G>A on transcript NM_000512.5 (MANE Select); coding-DNA position 281, G replaced by A.
Protein change: p.Arg94His; replaces arginine 94 with histidine.
Molecular consequence: missense variant. On other transcripts: 5 prime UTR variant (1).
Genome position (GRCh38, 1-based): chr16:88,841,935, C>T on the plus strand (G>A on the coding strand, the complement: GALNS is on the minus strand). VCF-style: chr16-88841935-C-T. GRCh37 (hg19) VCF-style: chr16-88908343-C-T.
Other names: c.-275G>A (NM_001323543.2); c.299G>A, p.Arg100His (NM_001323544.2); c.281G>A (NM_000512.4); short protein forms R94H, R100H.
Identifiers: ClinVar variation 167127 (VCV000167127.20), dbSNP rs727503946, ClinGen allele CA234076.
Genomic context (GRCh38, chr16:88,841,935, plus strand): 5'-CTGGAGGCGGTGGGCAGCCTACCGTTTCTGGCATGGGCGTTGGTGGTGTAGAAGCCATTG[C>T]GGATGGGTAGCCGTCCTGTGAGCAGTGCCGCCCTCGCTATGTGGAGGTGACAGAAACAGA-3'
Protein context (NP_000503.1, residues 84-104): AALLTGRLPI[Arg94His]NGFYTTNAHA

ClinVar aggregate classification (germline): Pathogenic/Likely pathogenic. Review status: criteria provided, multiple submitters, no conflicts (2 of 4 stars). 8 submissions from 8 submitters: Pathogenic (1); Likely pathogenic (5). 2 of the submissions do not count toward it. Last evaluated 2026-01-19.

Conditions:
GALNS-related disorders.
Morquio syndrome. Also called: Mucopolysaccharidosis, Type IV; MPS IV; Mucopolysaccharidosis type 4; Eccentrochondrodysplasia. Identifiers: Orphanet 582, MedGen C0026707, MONDO:0018938.
Mucopolysaccharidosis, MPS-IV-A (MPS4A). Also called: Mucopolysaccharidosis type IV A; MORQUIO SYNDROME A; Mucopolysaccharidosis Type IVA; MPS IVA; GALACTOSAMINE-6-SULFATASE DEFICIENCY; GALNS DEFICIENCY. Identifiers: Orphanet 309297, Orphanet 582, MedGen C0086651, MONDO:0009659, OMIM 253000.

Allele frequency attached by ClinVar (database versions not stated): TOPMed 0.00001; ExAC 0.00003; gnomAD 0.00001; gnomAD exomes 0.00004 and 0.00002.
gnomAD v4.1: 59 of 1,613,448 alleles (0.0037%); highest among the groups gnomAD compares: South Asian, 0.0088%; 1 homozygote.

Submissions (8):

Labcorp Genetics (formerly Invitae), Labcorp
Classification: Pathogenic for Mucopolysaccharidosis, MPS-IV-A. Last evaluated: 2026-01-19. Review status: criteria provided, single submitter. Criteria: Invitae Variant Classification Sherloc (09022015). Collection method: clinical testing. Allele origin: germline.
Comment: This sequence change replaces arginine, which is basic and polar, with histidine, which is basic and polar, at codon 94 of the GALNS protein (p.Arg94His). This variant is present in population databases (rs727503946, gnomAD 0.01%), including at least one homozygous and/or hemizygous individual. This missense change has been observed in individual(s) with mucopolysaccharidosis type IVA (Morquio A) (PMID: 32183856, 35782601). ClinVar contains an entry for this variant (Variation ID: 167127). Invitae Evidence Modeling of protein sequence and biophysical properties (such as structural, functional, and spatial information, amino acid conservation, physicochemical variation, residue mobility, and thermodynamic stability) indicates that this missense variant is expected to disrupt GALNS protein function with a positive predictive value of 95%. This variant disrupts the p.Arg94 amino acid residue in GALNS. Other variant(s) that disrupt this residue have been determined to be pathogenic (PMID: 10814710, 23876334, 29731656). This suggests that this residue is clinically significant, and that variants that disrupt this residue are likely to be disease-causing. For these reasons, this variant has been classified as Pathogenic.

First Genomix Gene Laboratory, Genetic Diagnostics Department
Classification: Likely pathogenic for Mucopolysaccharidosis, MPS-IV-A. Last evaluated: 2025-07-31. Review status: criteria provided, single submitter. Criteria: ACMG Guidelines, 2015. Collection method: clinical testing. Allele origin: germline. Inheritance: Autosomal recessive inheritance. Affected: no. Observed: 1 variant allele.

Blueprint Genetics
Classification: Likely pathogenic for GALNS-related disorders. Last evaluated: 2024-09-02. Review status: criteria provided, single submitter. Criteria: ACMG Guidelines, 2015. Collection method: clinical testing. Allele origin: germline. Affected: yes. Observed: 5 variant alleles.

Fulgent Genetics
Classification: Likely pathogenic for Mucopolysaccharidosis, MPS-IV-A. Last evaluated: 2024-03-15. Review status: criteria provided, single submitter. Criteria: ACMG Guidelines, 2015. Collection method: clinical testing. Allele origin: germline.

Women's Health and Genetics/Laboratory Corporation of America, LabCorp
Classification: Likely pathogenic for Morquio syndrome. Last evaluated: 2023-02-16. Review status: criteria provided, single submitter. Criteria: LabCorp Variant Classification Summary - May 2015. Collection method: clinical testing. Allele origin: germline.
Comment: Variant summary: GALNS c.281G>A (p.Arg94His) results in a non-conservative amino acid change located in the Sulfatase, N-terminal domain (IPR000917) of the encoded protein sequence. Five of five in-silico tools predict a damaging effect of the variant on protein function. The variant allele was found at a frequency of 2e-05 in 247782 control chromosomes in the gnomAD database, including 1 homozygote. c.281G>A has been reported in the literature in individuals affected with Mucopolysaccharidosis Type IVA (Morquio Syndrome A) with severe (e.g., Wang_2020) or slow progressive (e.g., Ko_2018, Lee_2022) phenotypes, as well as an individual with glaucoma (e.g., Carstens_2023). These data indicate that the variant may be associated with disease. One publication reports experimental evidence evaluating an impact on protein function, however, does not allow convincing conclusions about the variant effect. Three ClinVar submitters (evaluation after 2014) have cited the variant with conflicting assessments: two submitters cite the variant as likely pathogenic, while one submitter cites the variant as uncertain significance. Additionally, missense variants impacting the same amino acid, c.281G>T/p.R94L, c.280C>G/p.R94G, and c.280C>T/p.R94C, have been reported as pathogenic/likely pathogenic in ClinVar and as DM and associated with Mucopolysaccharidosis IVa in HGMD. Based on the evidence outlined above, the variant was classified as likely pathogenic.

Laboratory of Medical Genetics, National & Kapodistrian University of Athens
Classification: Likely pathogenic for Mucopolysaccharidosis, MPS-IV-A. Last evaluated: 2021-08-10. Review status: criteria provided, single submitter. Criteria: ACMG Guidelines, 2015. Collection method: clinical testing. Allele origin: paternal. Affected: yes.
Comment: PM1, PM2, PM5, PP2, PP3, PP5

Genome-Nilou Lab
Classification: Uncertain significance for Mucopolysaccharidosis, MPS-IV-A. Last evaluated: 2021-11-07. Review status: flagged submission. Criteria: ACMG Guidelines, 2015. Collection method: clinical testing. Allele origin: germline. Affected: no. Not counted in ClinVar's aggregate classification.
ClinVar note: Reason: Older and outlier claim with insufficient supporting evidence

Eurofins Ntd Llc (ga)
Classification: Uncertain significance. Last evaluated: 2014-01-23. Review status: flagged submission. Criteria: EGL Classification Definitions 2015. Collection method: clinical testing. Allele origin: germline. Observed: 1 variant allele, 1 heterozygote. Not counted in ClinVar's aggregate classification.
ClinVar note: Reason: Older and outlier claim with insufficient supporting evidence

Literature cited by the submitters: PubMed 32183856 (cited by Labcorp Genetics (formerly Invitae), Labcorp and Women's Health and Genetics/Laboratory Corporation of America, LabCorp); PubMed 35782601 (cited by Labcorp Genetics (formerly Invitae), Labcorp and Women's Health and Genetics/Laboratory Corporation of America, LabCorp); PubMed 10814710 (cited by Labcorp Genetics (formerly Invitae), Labcorp); PubMed 23876334 (cited by Labcorp Genetics (formerly Invitae), Labcorp); PubMed 29731656 (cited by Labcorp Genetics (formerly Invitae), Labcorp); PubMed 29869463 (cited by Women's Health and Genetics/Laboratory Corporation of America, LabCorp); PubMed 35094026 (cited by Women's Health and Genetics/Laboratory Corporation of America, LabCorp); PubMed 36077388 (cited by Women's Health and Genetics/Laboratory Corporation of America, LabCorp); PubMed 16287098 (cited by Eurofins Ntd Llc (ga)); PubMed 7795586 (cited by Eurofins Ntd Llc (ga)).